The following is an entry in ClinVar:

ClinVar aggregate classification (germline): Pathogenic. Review status: criteria provided, single submitter (1 of 4 stars). 2 submissions from 2 submitters: Pathogenic (1). 1 of the submissions does not count toward it. Last evaluated 2019-11-14.

Conditions:
Hereditary breast ovarian cancer syndrome. Also called: Hereditary breast and ovarian cancer; Hereditary breast and/or ovarian cancer syndrome; Hereditary breast and ovarian cancer syndrome; Hereditary breast and ovarian cancer syndrome (HBOC); Breast and ovarian cancer; BRCA1- and BRCA2-Associated Hereditary Breast and Ovarian Cancer. Identifiers: Orphanet 145, MedGen C0677776, MeSH D061325, MONDO:0003582. Disease mechanism: loss of function.
Familial cancer of breast. Also called: Hereditary breast cancer; BREAST CANCER, FAMILIAL; hereditary breast carcinoma. Identifiers: Orphanet 227535, MedGen C0346153, MONDO:0016419, OMIM 114480. Disease mechanism: loss of function.

Submissions (2):

Labcorp Genetics (formerly Invitae), Labcorp
Classification: Pathogenic for Hereditary breast ovarian cancer syndrome. Last evaluated: 2019-11-14. Review status: criteria provided, single submitter. Criteria: Invitae Variant Classification Sherloc (09022015). Collection method: clinical testing. Allele origin: germline.
Comment: This sequence change creates a premature translational stop signal (p.Asn2556Metfs*92) in the BRCA2 gene. It is expected to result in an absent or disrupted protein product. This variant is not present in population databases (ExAC no frequency). This variant has not been reported in the literature in individuals with BRCA2-related conditions. Loss-of-function variants in BRCA2 are known to be pathogenic (PMID: 20104584). For these reasons, this variant has been classified as Pathogenic.

Genomic Center, National Cancer Institute
Classification: Pathogenic for Familial cancer of breast. Review status: no assertion criteria provided. Collection method: case-control. Allele origin: germline. Affected: yes. Not counted in ClinVar's aggregate classification.

Literature cited by the submitters: PubMed 20104584 (cited by Labcorp Genetics (formerly Invitae), Labcorp).

NM_000059.4(BRCA2):c.7667del (p.Asn2556fs)

Gene: BRCA2 (BRCA2 DNA repair associated; plus strand). Cytogenetic location: 13q13.1.
Variant type: Deletion.
Coding change: c.7667del on transcript NM_000059.4 (MANE Select); coding-DNA position 7667, one base deleted (A; older notation c.7667delA).
Protein change: p.Asn2556fs; shifts the reading frame from asparagine 2556.
Molecular consequence: frameshift variant.
Genome position (GRCh38, 1-based): chr13:32,357,791, A deleted; the last of 5 consecutive A bases (chr13:32,357,787-32,357,791); deleting any one gives the same sequence. VCF-style (leftmost placement, unchanged base first): chr13-32357786-CA-C. GRCh37 (hg19) VCF-style: chr13-32931923-CA-C.
Other names: c.7667delA (NM_000059.4); short protein forms N2556fs.
Identifiers: ClinVar variation 967215 (VCV000967215.11), dbSNP rs878853303, ClinGen allele CA1139663201.
Genomic context (GRCh38, chr13:32,357,786, plus strand): 5'-TGTTTATTTTGTGTAGCTGTATACGTATGGCGTTTCTAAACATTGCATAAAAATTAACAG[CA>C]AAAATGCAGAGTCTTTTCAGTTTCACACTGAAGATTATTTTGGTAAGGAAAGTTTATGGA-3'